The following is an entry in ClinVar:

ClinVar aggregate classification (germline): Likely benign (1 of 4 stars; one submission).

Submission:

CeGaT Center for Human Genetics Tuebingen
Classification: Likely benign. Last evaluated: 2025-07-01. Review status: criteria provided, single submitter. Criteria: CeGaT Center For Human Genetics Tuebingen Variant Classification Criteria Version 2. Collection method: clinical testing. Allele origin: germline. Affected: yes. Observed: 1 variant allele.
Comment: SCUBE1: PM2:Supporting, BP4, BP7

NM_173050.5(SCUBE1):c.1498C>A (p.Arg500=)

Gene: SCUBE1 (signal peptide, CUB domain and EGF like domain containing 1; minus strand). Cytogenetic location: 22q13.2.
Variant type: single nucleotide variant.
Coding change: c.1498C>A on transcript NM_173050.5 (MANE Select); coding-DNA position 1498, C replaced by A.
Protein change: p.Arg500=; no amino-acid change (arginine 500 retained).
Molecular consequence: synonymous variant.
Genome position (GRCh38, 1-based): chr22:43,221,224, G>T on the plus strand (C>A on the coding strand, the complement: SCUBE1 is on the minus strand). VCF-style: chr22-43221224-G-T. GRCh37 (hg19) VCF-style: chr22-43617230-G-T.
Identifiers: ClinVar variation 4085389 (VCV004085389.8).